The following is an entry in ClinVar:

NM_001110556.2(FLNA):c.6245del (p.Leu2082fs)

Gene: FLNA (filamin A; minus strand). Cytogenetic location: Xq28.
Variant type: Deletion.
Coding change: c.6245del on transcript NM_001110556.2 (MANE Select); coding-DNA position 6245, one base deleted (T; older notation c.6245delT).
Protein change: p.Leu2082fs; shifts the reading frame from leucine 2082.
Molecular consequence: frameshift variant.
Genome position (GRCh38, 1-based): chrX:154,352,906, A deleted on the plus strand (T on the coding strand, the reverse complement: FLNA is on the minus strand). VCF-style (leftmost placement, unchanged base first): chrX-154352905-CA-C. GRCh37 (hg19) VCF-style: chrX-153581273-CA-C.
Other names: c.6221delT (NM_001456.3); c.6221del, p.Leu2074fs (NM_001456.4); short protein forms L2074fs, L2082fs.
Identifiers: ClinVar variation 1338360 (VCV001338360.5), dbSNP rs2148104758, ClinGen allele CA2573055160.

ClinVar aggregate classification (germline): Pathogenic. Review status: criteria provided, multiple submitters, no conflicts (2 of 4 stars). 2 submissions from 2 submitters: Pathogenic (2). Last evaluated 2025-11-05.

Conditions:
Familial thoracic aortic aneurysm and aortic dissection (TAAD). Also called: Thoracic aortic aneurysms and dissections. Identifiers: Orphanet 91387, MedGen C4707243, MONDO:0019625.

Submissions (2):

Ambry Genetics
Classification: Pathogenic for Familial thoracic aortic aneurysm and aortic dissection. Last evaluated: 2025-11-05. Review status: criteria provided, single submitter. Criteria: Ambry Variant Classification Scheme 2023. Collection method: clinical testing. Allele origin: germline.
Comment: The c.6221delT pathogenic mutation, located in coding exon 37 of the FLNA gene, results from a deletion of one nucleotide at nucleotide position 6221, causing a translational frameshift with a predicted alternate stop codon (p.L2074Rfs*51). This alteration is expected to result in loss of function by premature protein truncation or nonsense-mediated mRNA decay. This variant is considered to be rare based on population cohorts in the Genome Aggregation Database (gnomAD). As such, this alteration is interpreted as a disease-causing mutation for periventricular nodular heterotopia; however, its clinical significance for cardiac valvular dysplasia is uncertain, and it is unlikely to be causative of otopalatodigital spectrum disorders.

Genetic Services Laboratory, University of Chicago
Classification: Pathogenic. Last evaluated: 2018-01-31. Review status: criteria provided, single submitter. Criteria: ACMG Guidelines, 2015. Collection method: clinical testing. Allele origin: germline. Affected: yes.